The following is an entry in ClinVar:

NM_001382391.1(CSPP1):c.2323G>C (p.Glu775Gln)

Gene: CSPP1 (centrosome and spindle pole associated protein 1; plus strand). Cytogenetic location: 8q13.2.
Variant type: single nucleotide variant.
Coding change: c.2323G>C on transcript NM_001382391.1 (MANE Select); coding-DNA position 2323, G replaced by C.
Protein change: p.Glu775Gln; replaces glutamic acid 775 with glutamine.
Molecular consequence: missense variant.
Genome position (GRCh38, 1-based): chr8:67,158,528, G>C. VCF-style: chr8-67158528-G-C. GRCh37 (hg19) VCF-style: chr8-68070763-G-C.
Other names: c.2209G>C, p.Glu737Gln (NM_001364870.1); c.2308G>C, p.Glu770Gln (NM_024790.7); c.1273G>C, p.Glu425Gln (NM_001291339.2); c.2242G>C, p.Glu748Gln (NM_001363131.2); c.2128G>C, p.Glu710Gln (NM_001363132.2); c.2047G>C, p.Glu683Gln (NM_001363133.2); c.2389G>C, p.Glu797Gln (NM_001364869.1); short protein forms E425Q, E737Q, E770Q, E797Q, E748Q, E683Q, E710Q, E775Q.
Identifiers: ClinVar variation 2142055 (VCV002142055.3), dbSNP rs1227448861, ClinGen allele CA371188655.

ClinVar aggregate classification (germline): Uncertain significance. Review status: criteria provided, multiple submitters, no conflicts (2 of 4 stars). 2 submissions from 2 submitters: Uncertain significance (2). Last evaluated 2025-08-24.

Conditions:
Joubert syndrome 21 (JBTS21). Identifiers: MedGen C3810212, MONDO:0014288, OMIM 615636.
Inborn genetic diseases. Identifiers: MedGen C0950123, MeSH D030342.

Allele frequency attached by ClinVar (database versions not stated): gnomAD exomes below 0.00001.
gnomAD v4.1: 5 of 1,612,858 alleles (0.00031%); highest among the groups gnomAD compares: Admixed American, 0.005%; no homozygotes.

Submissions (2):

Ambry Genetics
Classification: Uncertain significance for Inborn genetic diseases. Last evaluated: 2025-08-24. Review status: criteria provided, single submitter. Criteria: Ambry Variant Classification Scheme 2023. Collection method: clinical testing. Allele origin: germline.

Labcorp Genetics (formerly Invitae), Labcorp
Classification: Uncertain significance for Joubert syndrome 21. Last evaluated: 2022-08-09. Review status: criteria provided, single submitter. Criteria: Invitae Variant Classification Sherloc (09022015). Collection method: clinical testing. Allele origin: germline.
Comment: In summary, the available evidence is currently insufficient to determine the role of this variant in disease. Therefore, it has been classified as a Variant of Uncertain Significance. Algorithms developed to predict the effect of missense changes on protein structure and function are either unavailable or do not agree on the potential impact of this missense change (SIFT: "Deleterious"; PolyPhen-2: "Probably Damaging"; Align-GVGD: "Class C0"). This variant has not been reported in the literature in individuals affected with CSPP1-related conditions. This variant is present in population databases (no rsID available, gnomAD 0.009%). This sequence change replaces glutamic acid, which is acidic and polar, with glutamine, which is neutral and polar, at codon 770 of the CSPP1 protein (p.Glu770Gln).